The following is an entry in ClinVar:

NM_001127222.2(CACNA1A):c.294-4A>G

Gene: CACNA1A (calcium voltage-gated channel subunit alpha1 A; minus strand). Cytogenetic location: 19p13.13.
Variant type: single nucleotide variant.
Coding change: c.294-4A>G on transcript NM_001127222.2 (MANE Select); 4 bases into the intron before coding-DNA position 294, A replaced by G.
Molecular consequence: intron variant.
Genome position (GRCh38, 1-based): chr19:13,455,216, T>C on the plus strand (A>G on the coding strand, the complement: CACNA1A is on the minus strand). VCF-style: chr19-13455216-T-C. GRCh37 (hg19) VCF-style: chr19-13566030-T-C.
Other names: c.294-4A>G (NM_001127221.2, NM_001174080.2, NM_000068.4 and 1 more transcripts).
Identifiers: ClinVar variation 589192 (VCV000589192.16), dbSNP rs1400044284, ClinGen allele CA632094739.

ClinVar aggregate classification (germline): Conflicting classifications of pathogenicity. Review status: criteria provided, conflicting classifications (1 of 4 stars). 4 submissions from 4 submitters: Uncertain significance (3); Likely benign (1). Last evaluated 2026-06-08.

Conditions:
Inborn genetic diseases. Identifiers: MedGen C0950123, MeSH D030342.
Developmental and epileptic encephalopathy, 42 (DEE42A). Also called: DEVELOPMENTAL AND EPILEPTIC ENCEPHALOPATHY 42A; EPILEPTIC ENCEPHALOPATHY, EARLY INFANTILE, 42A; Epileptic encephalopathy, early infantile, 42. Identifiers: MedGen C4310716, MONDO:0014917, OMIM 617106.
Episodic ataxia type 2 (EA2). Also called: ACETAZOLAMIDE-RESPONSIVE HEREDITARY PAROXYSMAL CEREBELLAR ATAXIA; ATAXIA, EPISODIC, WITH NYSTAGMUS; ATAXIA, FAMILIAL PAROXYSMAL; CEREBELLAR ATAXIA, PAROXYSMAL, ACETAZOLAMIDE-RESPONSIVE; CEREBELLOPATHY, HEREDITARY PAROXYSMAL; EPISODIC ATAXIA, NYSTAGMUS-ASSOCIATED. Identifiers: Orphanet 97, MedGen C1720416, MONDO:0007163, OMIM 108500.

Allele frequency attached by ClinVar (database versions not stated): gnomAD 0.00001; gnomAD exomes 0.00001 and 0.00002; TOPMed 0.00001.

Submissions (4):

Ambry Genetics
Classification: Likely benign for Inborn genetic diseases. Last evaluated: 2026-06-08. Review status: criteria provided, single submitter. Criteria: Ambry Variant Classification Scheme 2023. Collection method: clinical testing. Allele origin: germline.

Labcorp Genetics (formerly Invitae), Labcorp
Classification: Uncertain significance for Developmental and epileptic encephalopathy, 42; Episodic ataxia type 2. Last evaluated: 2025-08-30. Review status: criteria provided, single submitter. Criteria: Invitae Variant Classification Sherloc (09022015). Collection method: clinical testing. Allele origin: germline.
Comment: This sequence change falls in intron 1 of the CACNA1A gene. It does not directly change the encoded amino acid sequence of the CACNA1A protein. This variant is present in population databases (no rsID available, gnomAD 0.009%). This variant has not been reported in the literature in individuals affected with CACNA1A-related conditions. ClinVar contains an entry for this variant (Variation ID: 589192). Algorithms developed to predict the effect of sequence changes on RNA splicing suggest that this variant may create or strengthen a splice site. In summary, the available evidence is currently insufficient to determine the role of this variant in disease. Therefore, it has been classified as a Variant of Uncertain Significance.

GeneDx
Classification: Uncertain significance. Last evaluated: 2025-03-16. Review status: criteria provided, single submitter. Criteria: GeneDx Variant Classification Process June 2021. Collection method: clinical testing. Allele origin: germline. Affected: yes.
Comment: In silico analysis supports a deleterious effect on splicing; Has not been previously published as pathogenic or benign to our knowledge

Athena Diagnostics
Classification: Uncertain significance. Last evaluated: 2019-06-03. Review status: criteria provided, single submitter. Criteria: Athena Diagnostics Criteria. Collection method: clinical testing. Allele origin: germline.